The following is an entry in ClinVar:

NM_001243133.2(NLRP3):c.2521T>G (p.Cys841Gly)

Gene: NLRP3 (NLR family pyrin domain containing 3; plus strand). Cytogenetic location: 1q44.
Variant type: single nucleotide variant.
Coding change: c.2521T>G on transcript NM_001243133.2 (MANE Select); coding-DNA position 2521, T replaced by G.
Protein change: p.Cys841Gly; replaces cysteine 841 with glycine.
Molecular consequence: missense variant. On other transcripts: intron variant (2).
Genome position (GRCh38, 1-based): chr1:247,435,998, T>G. VCF-style: chr1-247435998-T-G. GRCh37 (hg19) VCF-style: chr1-247599300-T-G.
Other names: c.2521T>G, p.Cys841Gly (NM_001079821.3); c.2350T>G, p.Cys784Gly (NM_001127462.3); c.2527T>G, p.Cys843Gly (NM_004895.5); c.2492+1725T>G (NM_001127461.3); c.2321+1725T>G (NM_183395.3); short protein forms C784G, C841G, C843G.
Identifiers: ClinVar variation 1326123 (VCV001326123.9), dbSNP rs2103173487, ClinGen allele CA345562054.

ClinVar aggregate classification (germline): Uncertain significance. Review status: criteria provided, multiple submitters, no conflicts (2 of 4 stars). 2 submissions from 2 submitters: Uncertain significance (2). Last evaluated 2022-07-06.

Conditions:
Cryopyrin associated periodic syndrome (CAPS). Identifiers: Orphanet 208650, MedGen C2316212, MONDO:0016168.

Submissions (2):

Labcorp Genetics (formerly Invitae), Labcorp
Classification: Uncertain significance for Cryopyrin associated periodic syndrome. Last evaluated: 2022-07-06. Review status: criteria provided, single submitter. Criteria: Invitae Variant Classification Sherloc (09022015). Collection method: clinical testing. Allele origin: germline.
Comment: This variant is not present in population databases (gnomAD no frequency). In summary, the available evidence is currently insufficient to determine the role of this variant in disease. Therefore, it has been classified as a Variant of Uncertain Significance. Algorithms developed to predict the effect of sequence changes on RNA splicing suggest that this variant may create or strengthen a splice site. Algorithms developed to predict the effect of missense changes on protein structure and function (SIFT, PolyPhen-2, Align-GVGD) all suggest that this variant is likely to be tolerated. ClinVar contains an entry for this variant (Variation ID: 1326123). This variant has not been reported in the literature in individuals affected with NLRP3-related conditions. This sequence change replaces cysteine, which is neutral and slightly polar, with glycine, which is neutral and non-polar, at codon 843 of the NLRP3 protein (p.Cys843Gly).

GeneDx
Classification: Uncertain significance. Last evaluated: 2021-05-21. Review status: criteria provided, single submitter. Criteria: GeneDx Variant Classification Process June 2021. Collection method: clinical testing. Allele origin: germline. Affected: yes.
Comment: Not observed in large population cohorts (Lek et al., 2016); In silico analysis supports that this missense variant has a deleterious effect on protein structure/function; Has not been previously published as pathogenic or benign to our knowledge